The following is an entry in ClinVar:

NM_000245.4(MET):c.2435A>C (p.Gln812Pro)

Gene: MET (MET proto-oncogene, receptor tyrosine kinase; plus strand). Cytogenetic location: 7q31.2.
Variant type: single nucleotide variant.
Coding change: c.2435A>C on transcript NM_000245.4 (MANE Select); coding-DNA position 2435, A replaced by C.
Protein change: p.Gln812Pro; replaces glutamine 812 with proline.
Molecular consequence: missense variant.
Genome position (GRCh38, 1-based): chr7:116,763,120, A>C. VCF-style: chr7-116763120-A-C. GRCh37 (hg19) VCF-style: chr7-116403174-A-C.
Other names: c.2489A>C, p.Gln830Pro (NM_001127500.3); c.2435A>C, p.Gln812Pro (NM_001324401.3); c.1145A>C, p.Gln382Pro (NM_001324402.2); short protein forms Q382P, Q812P, Q830P.
Identifiers: ClinVar variation 1320346 (VCV001320346.10), dbSNP rs777833095, ClinGen allele CA4448487.
Genomic context (GRCh38, chr7:116,763,120, plus strand): 5'-ATCGCTCTAATTCAGAGATAATCTGTTGTACCACTCCTTCCCTGCAACAGCTGAATCTGC[A>C]ACTCCCCCTGAAAACCAAAGCCTTTTTCATGTTAGATGGGATCCTTTCCAAATACTTTGA-3'
Protein context (NP_000236.2, residues 802-822): TTPSLQQLNL[Gln812Pro]LPLKTKAFFM

ClinVar aggregate classification (germline): Uncertain significance. Review status: criteria provided, multiple submitters, no conflicts (2 of 4 stars). 3 submissions from 3 submitters: Uncertain significance (3). Last evaluated 2025-04-28.

Conditions:
Renal cell carcinoma. Identifiers: Orphanet 217071, MedGen C0007134, MeSH D002292, MONDO:0005086, HP:0005584.
Hereditary cancer-predisposing syndrome. Also called: Hereditary neoplastic syndrome; Neoplastic Syndromes, Hereditary; Tumor predisposition; Hereditary Cancer Syndrome. Identifiers: Orphanet 140162, MedGen C0027672, MeSH D009386, MONDO:0015356.

Allele frequency attached by ClinVar (database versions not stated): gnomAD exomes below 0.00001; ExAC 0.00001; gnomAD 0.00001; TOPMed 0.00003.
gnomAD v4.1: 2 of 1,613,968 alleles (0.00012%); highest among the groups gnomAD compares: African/African-American, 0.0027%; no homozygotes.

Submissions (3):

Labcorp Genetics (formerly Invitae), Labcorp
Classification: Uncertain significance for Renal cell carcinoma. Last evaluated: 2025-04-28. Review status: criteria provided, single submitter. Criteria: Invitae Variant Classification Sherloc (09022015). Collection method: clinical testing. Allele origin: germline.
Comment: This sequence change replaces glutamine, which is neutral and polar, with proline, which is neutral and non-polar, at codon 830 of the MET protein (p.Gln830Pro). This variant is present in population databases (rs777833095, gnomAD 0.007%). This variant has not been reported in the literature in individuals affected with MET-related conditions. ClinVar contains an entry for this variant (Variation ID: 1320346). Invitae Evidence Modeling of protein sequence and biophysical properties (such as structural, functional, and spatial information, amino acid conservation, physicochemical variation, residue mobility, and thermodynamic stability) indicates that this missense variant is not expected to disrupt MET protein function with a negative predictive value of 80%. In summary, the available evidence is currently insufficient to determine the role of this variant in disease. Therefore, it has been classified as a Variant of Uncertain Significance.

Ambry Genetics
Classification: Uncertain significance for Hereditary cancer-predisposing syndrome. Last evaluated: 2024-01-05. Review status: criteria provided, single submitter. Criteria: Ambry Variant Classification Scheme 2023. Collection method: clinical testing. Allele origin: germline.
Comment: The p.Q830P variant (also known as c.2489A>C), located in coding exon 10 of the MET gene, results from an A to C substitution at nucleotide position 2489. The glutamine at codon 830 is replaced by proline, an amino acid with similar properties. This amino acid position is not well conserved in available vertebrate species. In addition, this alteration is predicted to be tolerated by in silico analysis. Since supporting evidence is limited at this time, the clinical significance of this alteration remains unclear.

GeneDx
Classification: Uncertain significance. Last evaluated: 2023-09-13. Review status: criteria provided, single submitter. Criteria: GeneDx Variant Classification Process June 2021. Collection method: clinical testing. Allele origin: germline. Affected: yes.
Comment: Not observed at significant frequency in large population cohorts (gnomAD); In silico analysis supports that this missense variant does not alter protein structure/function; Has not been previously published as pathogenic or benign to our knowledge